The following is an entry in ClinVar:

NM_007118.4(TRIO):c.7353_7354insCCAAGCCCCGGGCC (p.Gly2452fs)

Gene: TRIO (trio Rho guanine nucleotide exchange factor; plus strand). Cytogenetic location: 5p15.2.
Variant type: Insertion.
Coding change: c.7353_7354insCCAAGCCCCGGGCC on transcript NM_007118.4 (MANE Select); coding-DNA positions 7353 to 7354, CCAAGCCCCGGGCC inserted.
Protein change: p.Gly2452fs; shifts the reading frame from glycine 2452.
Molecular consequence: frameshift variant.
Genome position: GRCh38 VCF-style: chr5-14487969-G-GAAGCCCCGGGCCCC. GRCh37 (hg19) VCF-style: chr5-14488078-G-GAAGCCCCGGGCCCC.
Other names: short protein forms G2452fs.
Identifiers: ClinVar variation 3182879 (VCV003182879.1), dbSNP rs2477477068, ClinGen allele CA2825001413.
Genomic context (GRCh38, chr5:14,487,969, plus strand): 5'-GTCGAGCCCAGACGCCCCCGCCAAGGACGCGCGCGCTAGCCTGGGCACCCTGCCGCTTGG[G>GAAGCCCCGGGCCCC]AAGCCCCGGGCCGGGGCCGCTTCGCCGCTGAACTCGCCGCTCTCCAGCGCGGTCCCTTCT-3'

ClinVar aggregate classification (germline): Pathogenic (1 of 4 stars; one submission).

Conditions:
Inborn genetic diseases. Identifiers: MedGen C0950123, MeSH D030342.

Submission:

Ambry Genetics
Classification: Pathogenic for Inborn genetic diseases. Last evaluated: 2023-10-05. Review status: criteria provided, single submitter. Criteria: Ambry Variant Classification Scheme 2023. Collection method: clinical testing. Allele origin: germline.
Comment: The c.7353_7354insCCAAGCCCCGGGCC (p.G2452Pfs*11) alteration, located in exon 48 (coding exon 48) of the TRIO gene, consists of an insertion of CCAAGCCCCGGGCC at position 7353, causing a translational frameshift with a predicted alternate stop codon after 11 amino acids. This alteration is expected to result in loss of function by premature protein truncation or nonsense-mediated mRNA decay. _x000D_ _x000D_ _x000D_ _x000D_ for TRIO-related neurodevelopmental disorder with microcephaly; however, its clinical significance for TRIO-related neurodevelopmental disorder with macrocephaly is uncertain. This variant was not reported in population-based cohorts in the Genome Aggregation Database (gnomAD). Based on the available evidence, this alteration is classified as pathogenic.